The following continues an entry in ClinVar:

NM_080424.4(SP110):c.1447G>A (p.Gly483Arg)

Gene: SP110. ClinVar aggregate classification (germline): Benign/Likely benign. Benign (3); Likely benign (2).

Submissions 28 to 47 of 47:

Dr. Peter K. Rogan Lab, Western University
No classification provided (evidence only). Condition: Sarcoma. Review status: no classification provided. Collection method: in vitro. Allele origin: not applicable. Functional consequence: retained intron. Not counted in ClinVar's aggregate classification.

Dr. Peter K. Rogan Lab, Western University
No classification provided (evidence only). Condition: Hepatocellular carcinoma. Review status: no classification provided. Collection method: in vitro. Allele origin: not applicable. Functional consequence: retained intron. Not counted in ClinVar's aggregate classification.

Dr. Peter K. Rogan Lab, Western University
No classification provided (evidence only). Condition: Nonpapillary renal cell carcinoma. Review status: no classification provided. Collection method: in vitro. Allele origin: not applicable. Functional consequence: retained intron. Not counted in ClinVar's aggregate classification.

Dr. Peter K. Rogan Lab, Western University
No classification provided (evidence only). Condition: Thymoma. Review status: no classification provided. Collection method: in vitro. Allele origin: not applicable. Functional consequence: retained intron. Not counted in ClinVar's aggregate classification.

Dr. Peter K. Rogan Lab, Western University
No classification provided (evidence only). Condition: Cholangiocarcinoma. Review status: no classification provided. Collection method: in vitro. Allele origin: not applicable. Functional consequence: retained intron. Not counted in ClinVar's aggregate classification.

Dr. Peter K. Rogan Lab, Western University
No classification provided (evidence only). Condition: Ovarian serous cystadenocarcinoma. Review status: no classification provided. Collection method: in vitro. Allele origin: not applicable. Functional consequence: retained intron. Not counted in ClinVar's aggregate classification.

Dr. Peter K. Rogan Lab, Western University
No classification provided (evidence only). Condition: Ovarian serous cystadenocarcinoma. Review status: no classification provided. Collection method: in vitro. Allele origin: not applicable. Functional consequence: retained intron. Not counted in ClinVar's aggregate classification.

Dr. Peter K. Rogan Lab, Western University
No classification provided (evidence only). Condition: Ovarian serous cystadenocarcinoma. Review status: no classification provided. Collection method: in vitro. Allele origin: not applicable. Functional consequence: retained intron. Not counted in ClinVar's aggregate classification.

Dr. Peter K. Rogan Lab, Western University
No classification provided (evidence only). Condition: Gastric cancer. Review status: no classification provided. Collection method: in vitro. Allele origin: not applicable. Functional consequence: retained intron. Not counted in ClinVar's aggregate classification.

Dr. Peter K. Rogan Lab, Western University
No classification provided (evidence only). Condition: Gastric cancer. Review status: no classification provided. Collection method: in vitro. Allele origin: not applicable. Functional consequence: retained intron. Not counted in ClinVar's aggregate classification.

Dr. Peter K. Rogan Lab, Western University
No classification provided (evidence only). Condition: Adrenocortical carcinoma, hereditary. Review status: no classification provided. Collection method: in vitro. Allele origin: not applicable. Functional consequence: retained intron. Not counted in ClinVar's aggregate classification.

Dr. Peter K. Rogan Lab, Western University
No classification provided (evidence only). Condition: Uterine carcinosarcoma. Review status: no classification provided. Collection method: in vitro. Allele origin: not applicable. Functional consequence: skipped exon, retained intron. Not counted in ClinVar's aggregate classification.

Dr. Peter K. Rogan Lab, Western University
No classification provided (evidence only). Condition: Chronic lymphocytic leukemia/small lymphocytic lymphoma. Review status: no classification provided. Collection method: in vitro. Allele origin: not applicable. Functional consequence: retained intron. Not counted in ClinVar's aggregate classification.

Dr. Peter K. Rogan Lab, Western University
No classification provided (evidence only). Condition: Chronic lymphocytic leukemia/small lymphocytic lymphoma. Review status: no classification provided. Collection method: in vitro. Allele origin: not applicable. Functional consequence: retained intron. Not counted in ClinVar's aggregate classification.

Dr. Peter K. Rogan Lab, Western University
No classification provided (evidence only). Condition: Nonpapillary renal cell carcinoma. Review status: no classification provided. Collection method: in vitro. Allele origin: not applicable. Functional consequence: retained intron. Not counted in ClinVar's aggregate classification.

Dr. Peter K. Rogan Lab, Western University
No classification provided (evidence only). Condition: Familial pancreatic carcinoma. Review status: no classification provided. Collection method: in vitro. Allele origin: not applicable. Functional consequence: skipped exon, retained intron. Not counted in ClinVar's aggregate classification.

Dr. Peter K. Rogan Lab, Western University
No classification provided (evidence only). Condition: Lymphoma. Review status: no classification provided. Collection method: in vitro. Allele origin: not applicable. Functional consequence: retained intron. Not counted in ClinVar's aggregate classification.

Dr. Peter K. Rogan Lab, Western University
No classification provided (evidence only). Condition: Lymphoma. Review status: no classification provided. Collection method: in vitro. Allele origin: not applicable. Functional consequence: retained intron. Not counted in ClinVar's aggregate classification.

Dr. Peter K. Rogan Lab, Western University
No classification provided (evidence only). Condition: Lymphoma. Review status: no classification provided. Collection method: in vitro. Allele origin: not applicable. Functional consequence: skipped exon, retained intron. Not counted in ClinVar's aggregate classification.

Dr. Peter K. Rogan Lab, Western University
No classification provided (evidence only). Condition: Lymphoma. Review status: no classification provided. Collection method: in vitro. Allele origin: not applicable. Functional consequence: skipped exon, retained intron. Not counted in ClinVar's aggregate classification.